The following is an entry in ClinVar:

NM_020549.5(CHAT):c.944T>C (p.Leu315Ser)

Gene: CHAT (choline O-acetyltransferase; plus strand). Cytogenetic location: 10q11.23.
Variant type: single nucleotide variant.
Coding change: c.944T>C on transcript NM_020549.5 (MANE Select); coding-DNA position 944, T replaced by C.
Protein change: p.Leu315Ser; replaces leucine 315 with serine.
Molecular consequence: missense variant.
Genome position (GRCh38, 1-based): chr10:49,627,618, T>C. VCF-style: chr10-49627618-T-C. GRCh37 (hg19) VCF-style: chr10-50835664-T-C.
Other names: c.590T>C, p.Leu197Ser (NM_001142929.2, NM_001142934.2, NM_020984.4 and 2 more transcripts); c.698T>C, p.Leu233Ser (NM_001142933.2); short protein forms L197S, L233S, L315S.
Identifiers: ClinVar variation 3369837 (VCV003369837.1).

ClinVar aggregate classification (germline): Uncertain significance (1 of 4 stars; one submission).

Submission:

GeneDx
Classification: Uncertain significance. Last evaluated: 2024-02-29. Review status: criteria provided, single submitter. Criteria: GeneDx Variant Classification Process June 2021. Collection method: clinical testing. Allele origin: germline. Affected: yes.
Comment: Not observed at significant frequency in large population cohorts (gnomAD); In silico analysis supports that this missense variant has a deleterious effect on protein structure/function; Has not been previously published as pathogenic or benign to our knowledge; This variant is associated with the following publications: (PMID: 26080897)